The following is an entry in ClinVar:

ClinVar aggregate classification (germline): Uncertain significance. Review status: criteria provided, multiple submitters, no conflicts (2 of 4 stars). 2 submissions from 2 submitters: Uncertain significance (2). Last evaluated 2025-04-28.

Conditions:
Inborn genetic diseases. Identifiers: MedGen C0950123, MeSH D030342.

Allele frequency attached by ClinVar (database versions not stated): gnomAD exomes 0.00002; TOPMed 0.00005; gnomAD 0.00006; 1000 Genomes Project 30x 0.00047.

Submissions (2):

Labcorp Genetics (formerly Invitae), Labcorp
Classification: Uncertain significance. Last evaluated: 2025-04-28. Review status: criteria provided, single submitter. Criteria: Invitae Variant Classification Sherloc (09022015). Collection method: clinical testing. Allele origin: germline.
Comment: This sequence change replaces serine, which is neutral and polar, with leucine, which is neutral and non-polar, at codon 42 of the PKDCC protein (p.Ser42Leu). This variant is present in population databases (no rsID available, gnomAD 0.1%). This variant has not been reported in the literature in individuals affected with PKDCC-related conditions. ClinVar contains an entry for this variant (Variation ID: 1896349). An algorithm developed to predict the effect of missense changes on protein structure and function (PolyPhen-2) suggests that this variant is likely to be tolerated. In summary, the available evidence is currently insufficient to determine the role of this variant in disease. Therefore, it has been classified as a Variant of Uncertain Significance.

Ambry Genetics
Classification: Uncertain significance for Inborn genetic diseases. Last evaluated: 2024-04-23. Review status: criteria provided, single submitter. Criteria: Ambry Variant Classification Scheme 2023. Collection method: clinical testing. Allele origin: germline.

NM_138370.3(PKDCC):c.125C>T (p.Ser42Leu)

Genes: PKDCC (protein kinase domain containing, cytoplasmic; plus strand), LOC129933564 (ATAC-STARR-seq lymphoblastoid silent region 11397; plus strand). Cytogenetic location: 2p21.
Variant type: single nucleotide variant.
Coding change: c.125C>T on transcript NM_138370.3 (MANE Select); coding-DNA position 125, C replaced by T.
Protein change: p.Ser42Leu; replaces serine 42 with leucine.
Molecular consequence: missense variant.
Genome position (GRCh38, 1-based): chr2:42,048,324, C>T. VCF-style: chr2-42048324-C-T. GRCh37 (hg19) VCF-style: chr2-42275464-C-T.
Other names: c.125C>T (NM_138370.2); short protein forms S42L.
Identifiers: ClinVar variation 1896349 (VCV001896349.6), dbSNP rs1373582759, ClinGen allele CA346622537.